The following is an entry in ClinVar:

ClinVar aggregate classification (germline): Likely pathogenic (1 of 4 stars; one submission).

Submission:

Labcorp Genetics (formerly Invitae), Labcorp
Classification: Likely pathogenic. Last evaluated: 2023-02-16. Review status: criteria provided, single submitter. Criteria: Invitae Variant Classification Sherloc (09022015). Collection method: clinical testing. Allele origin: germline.
Comment: This variant is not present in population databases (gnomAD no frequency). This sequence change affects an acceptor splice site in intron 19 of the ITGB4 gene. It is expected to disrupt RNA splicing. Variants that disrupt the donor or acceptor splice site typically lead to a loss of protein function (PMID: 16199547), and loss-of-function variants in ITGB4 are known to be pathogenic (PMID: 11328943, 16473856). This variant has not been reported in the literature in individuals affected with ITGB4-related conditions. Algorithms developed to predict the effect of sequence changes on RNA splicing suggest that this variant may disrupt the consensus splice site. In summary, the currently available evidence indicates that the variant is pathogenic, but additional data are needed to prove that conclusively. Therefore, this variant has been classified as Likely Pathogenic.

Literature cited by the submitters: PubMed 16199547; PubMed 11328943; PubMed 16473856.

NM_000213.5(ITGB4):c.2255-1G>T

Gene: ITGB4 (integrin subunit beta 4; plus strand). Cytogenetic location: 17q25.1.
Variant type: single nucleotide variant.
Coding change: c.2255-1G>T on transcript NM_000213.5 (MANE Select); the canonical splice acceptor site of the intron before coding-DNA position 2255, G replaced by T.
Molecular consequence: splice acceptor variant.
Genome position (GRCh38, 1-based): chr17:75,739,879, G>T. VCF-style: chr17-75739879-G-T. GRCh37 (hg19) VCF-style: chr17-73735960-G-T.
Other names: c.2255-1G>T (NM_001005619.2, NM_001005731.3, NM_001438834.1 and 1 more transcripts).
Identifiers: ClinVar variation 2824020 (VCV002824020.3), dbSNP rs2545786054, ClinGen allele CA401062678.